The following is an entry in ClinVar:

ClinVar aggregate classification (germline): Uncertain significance (0 of 4 stars; one submission).

Allele frequency attached by ClinVar (database versions not stated): gnomAD 0.00001 and 0.00003; gnomAD exomes 0.00001; TOPMed 0.00003; 1000 Genomes Project 30x 0.00031.
gnomAD v4.1: 37 of 1,531,660 alleles (0.0024%); highest among the groups gnomAD compares: South Asian, 0.0048%; no homozygotes.

Submission:

Department of Pathology and Laboratory Medicine, Sinai Health System
Classification: Uncertain significance. Review status: no assertion criteria provided. Collection method: clinical testing. Allele origin: unknown. Affected: yes. Study: The Canadian Open Genetics Repository (COGR).
Comment: The FSIP2 p.R236Q variant was not identified in the literature nor was it identified in ClinVar. The variant was identified in dbSNP (ID: rs1051987034) and in control databases in 1 of 135760 chromosomes (0 homozygous) at a frequency of 0.000007366 (Genome Aggregation Database March 6, 2019, v2.1.1). The p.R236 residue is not conserved in mammals and computational analyses (MUT Assesor, SIFT, MutationTaster, Revel, FATHMM, MetaLR, DANN) do not suggest a high likelihood of impact to the protein; however this information is not predictive enough to rule out pathogenicity. The variant occurs outside of the splicing consensus sequence and in silico or computational prediction software programs (Splice AI exome) do not predict a deleterious effect on splicing. In summary, based on the above information the clinical significance of this variant cannot be determined with certainty at this time. This variant is classified as a variant of uncertain significance.

NM_173651.4(FSIP2):c.707G>A (p.Arg236Gln)

Gene: FSIP2 (fibrous sheath interacting protein 2; plus strand). Cytogenetic location: 2q32.1.
Variant type: single nucleotide variant.
Coding change: c.707G>A on transcript NM_173651.4 (MANE Select); coding-DNA position 707, G replaced by A.
Protein change: p.Arg236Gln; replaces arginine 236 with glutamine.
Molecular consequence: missense variant.
Genome position (GRCh38, 1-based): chr2:185,746,758, G>A. VCF-style: chr2-185746758-G-A. GRCh37 (hg19) VCF-style: chr2-186611485-G-A.
Other names: short protein forms R236Q.
Identifiers: ClinVar variation 1050090 (VCV001050090.1), dbSNP rs1051987034, ClinGen allele CA61755400.